The following is an entry in ClinVar:

ClinVar aggregate classification (germline): Likely benign (1 of 4 stars; one submission).

Conditions:
DCHS1-related disorder. Also called: DCHS1-related condition.

gnomAD v4.1: 1 of 1,585,346 alleles (0.000063%); highest among the groups gnomAD compares: Non-Finnish European, 0.000086%; no homozygotes.

Submission:

PreventionGenetics, part of Exact Sciences
Classification: Likely benign for DCHS1-related condition. Last evaluated: 2025-05-02. Review status: criteria provided, single submitter. Criteria: ACMG Guidelines, 2015. Collection method: clinical testing. Allele origin: germline.
Comment: This variant is classified as likely benign based on ACMG/AMP sequence variant interpretation guidelines (Richards et al. 2015 PMID: 25741868, with internal and published modifications).

NM_003737.4(DCHS1):c.7362A>C (p.Ala2454=)

Gene: DCHS1 (dachsous cadherin-related 1; minus strand). Cytogenetic location: 11p15.4.
Variant type: single nucleotide variant.
Coding change: c.7362A>C on transcript NM_003737.4 (MANE Select); coding-DNA position 7362, A replaced by C.
Protein change: p.Ala2454=; no amino-acid change (alanine 2454 retained).
Molecular consequence: synonymous variant.
Genome position (GRCh38, 1-based): chr11:6,624,314, T>G on the plus strand (A>C on the coding strand, the complement: DCHS1 is on the minus strand). VCF-style: chr11-6624314-T-G. GRCh37 (hg19) VCF-style: chr11-6645545-T-G.
Identifiers: ClinVar variation 4997277 (VCV004997277.1).